The following is an entry in ClinVar:

ClinVar aggregate classification (germline): Benign/Likely benign. Review status: criteria provided, multiple submitters, no conflicts (2 of 4 stars). 7 submissions from 7 submitters: Benign (2); Likely benign (3). 2 of the submissions do not count toward it. Last evaluated 2025-09-17.

Allele frequency attached by ClinVar (database versions not stated): 1000 Genomes Project 0.00220; 1000 Genomes Project 30x 0.00234; gnomAD exomes 0.00441 and 0.00967; ExAC 0.00449; TOPMed 0.00526; ESP Exome Variant Server 0.00661.
gnomAD v4.1: 12,030 of 1,323,856 alleles (0.91%); highest among the groups gnomAD compares: Non-Finnish European, 1.1%; 68 homozygotes.

Submissions (7):

Mayo Clinic Laboratories, Mayo Clinic
Classification: Likely benign. Last evaluated: 2025-09-17. Review status: criteria provided, single submitter. Criteria: ACMG Guidelines, 2015. Collection method: clinical testing. Allele origin: germline. Observed: 20 variant alleles.
Comment: BS2, BP4, BP7

Women's Health and Genetics/Laboratory Corporation of America, LabCorp
Classification: Benign. Last evaluated: 2025-06-13. Review status: criteria provided, single submitter. Criteria: LabCorp Variant Classification Summary - May 2015. Collection method: clinical testing. Allele origin: germline.
Comment: Variant summary: TRIM63 c.*2G>A is located in the untranslated mRNA region downstream of the termination codon. The variant allele was found at a frequency of 0.0044 in 121188 control chromosomes, predominantly at a frequency of 0.0066 within the Non-Finnish European subpopulation in the gnomAD database, including 3 homozygotes. The observed variant frequency within Non-Finnish European control individuals in the gnomAD database is approximately 1.3 fold of the estimated maximal expected allele frequency for a pathogenic variant in TRIM63 causing Hypertrophic Cardiomyopathy phenotype (0.005). To our knowledge, no occurrence of c.*2G>A in individuals affected with Hypertrophic Cardiomyopathy and no experimental evidence demonstrating its impact on protein function have been reported. ClinVar contains an entry for this variant (Variation ID: 1285214). Based on the evidence outlined above, the variant was classified as benign.

Molecular Diagnostic Laboratory for Inherited Cardiovascular Disease, Montreal Heart Institute
Classification: Likely benign. Last evaluated: 2025-04-09. Review status: criteria provided, single submitter. Criteria: ACMG Guidelines, 2015. Collection method: clinical testing. Allele origin: germline. Affected: no.

CeGaT Center for Human Genetics Tuebingen
Classification: Likely benign. Last evaluated: 2023-01-01. Review status: criteria provided, single submitter. Criteria: CeGaT Center For Human Genetics Tuebingen Variant Classification Criteria Version 2. Collection method: clinical testing. Allele origin: germline. Affected: yes. Observed: 1 variant allele.
Comment: TRIM63: BS2

Breakthrough Genomics
Classification: Benign. Review status: criteria provided, single submitter. Criteria: ACMG Guidelines, 2015. Collection method: not provided. Allele origin: germline. Inheritance: Unknown mechanism. Affected: yes.

Genome Diagnostics Laboratory, University Medical Center Utrecht
Classification: Benign. Review status: no assertion criteria provided. Collection method: clinical testing. Allele origin: germline. Affected: yes. Study: VKGL Data-share Consensus. Not counted in ClinVar's aggregate classification.

Joint Genome Diagnostic Labs from Nijmegen and Maastricht, Radboudumc and MUMC+
Classification: Benign. Review status: no assertion criteria provided. Collection method: clinical testing. Allele origin: germline. Affected: yes. Study: VKGL Data-share Consensus. Not counted in ClinVar's aggregate classification.

NM_032588.4(TRIM63):c.*2G>A

Gene: TRIM63 (tripartite motif containing 63; minus strand). Cytogenetic location: 1p36.11.
Variant type: single nucleotide variant.
Coding change: c.*2G>A on transcript NM_032588.4 (MANE Select); 2 bases downstream of the stop codon, G replaced by A.
Molecular consequence: 3 prime UTR variant.
Genome position (GRCh38, 1-based): chr1:26,051,871, C>T on the plus strand (G>A on the coding strand, the complement: TRIM63 is on the minus strand). VCF-style: chr1-26051871-C-T. GRCh37 (hg19) VCF-style: chr1-26378362-C-T.
Other names: c.*2G>A (NM_032588.3).
Identifiers: ClinVar variation 1285214 (VCV001285214.32), dbSNP rs77965623, ClinGen allele CA699427.